The following is an entry in ClinVar:

ClinVar aggregate classification (germline): Uncertain significance (1 of 4 stars; one submission).

Conditions:
GRN-related frontotemporal lobar degeneration with Tdp43 inclusions (FTD2). Also called: GRN Frontotemporal Dementia; FRONTOTEMPORAL DEMENTIA WITH TDP43 INCLUSIONS, GRN-RELATED; DEMENTIA, HEREDITARY DYSPHASIC DISINHIBITION; FRONTOTEMPORAL LOBAR DEGENERATION WITH UBIQUITIN-POSITIVE INCLUSIONS; FTLD-TDP, GRN-RELATED. Identifiers: Orphanet 100070, Orphanet 282, MedGen C1843792, MONDO:0011842, OMIM 607485. Disease mechanism: loss of function.
Neuronal ceroid lipofuscinosis 11. Also called: GRN-Related Neuronal Ceroid-Lipofuscinosis. Identifiers: Orphanet 314629, Orphanet 79262, MedGen C3539123, MONDO:0013866, OMIM 614706.

Submission:

Labcorp Genetics (formerly Invitae), Labcorp
Classification: Uncertain significance for Neuronal ceroid lipofuscinosis 11; GRN-related frontotemporal lobar degeneration with Tdp43 inclusions. Last evaluated: 2024-01-29. Review status: criteria provided, single submitter. Criteria: Invitae Variant Classification Sherloc (09022015). Collection method: clinical testing. Allele origin: germline.
Comment: This sequence change replaces tyrosine, which is neutral and polar, with histidine, which is basic and polar, at codon 229 of the GRN protein (p.Tyr229His). This variant is not present in population databases (gnomAD no frequency). This variant has not been reported in the literature in individuals affected with GRN-related conditions. Advanced modeling of protein sequence and biophysical properties (such as structural, functional, and spatial information, amino acid conservation, physicochemical variation, residue mobility, and thermodynamic stability) performed at Invitae indicates that this missense variant is expected to disrupt GRN protein function with a positive predictive value of 80%. In summary, the available evidence is currently insufficient to determine the role of this variant in disease. Therefore, it has been classified as a Variant of Uncertain Significance.

NM_002087.4(GRN):c.685T>C (p.Tyr229His)

Gene: GRN (granulin precursor; plus strand). Cytogenetic location: 17q21.31.
Variant type: single nucleotide variant.
Coding change: c.685T>C on transcript NM_002087.4 (MANE Select); coding-DNA position 685, T replaced by C.
Protein change: p.Tyr229His; replaces tyrosine 229 with histidine.
Molecular consequence: missense variant.
Genome position (GRCh38, 1-based): chr17:44,350,777, T>C. VCF-style: chr17-44350777-T-C. GRCh37 (hg19) VCF-style: chr17-42428145-T-C.
Other names: short protein forms Y229H.
Identifiers: ClinVar variation 2922295 (VCV002922295.3), dbSNP rs2510056015, ClinGen allele CA399764428.
Genomic context (GRCh38, chr17:44,350,777, plus strand): 5'-CCGGACGCACGGTCCCGGTGCCCTGATGGTTCTACCTGCTGTGAGCTGCCCAGTGGGAAG[T>C]ATGGCTGCTGCCCAATGCCCAACGTGAGTGAGGGGCTGGAGCCAGCTTGGCTGTGTGCCC-3'
Protein context (NP_002078.1, residues 219-239): STCCELPSGK[Tyr229His]GCCPMPNATC